The following is an entry in ClinVar:

ClinVar aggregate classification (germline): Benign/Likely benign. Review status: criteria provided, multiple submitters, no conflicts (2 of 4 stars). 4 submissions from 4 submitters: Benign (1); Likely benign (3). Last evaluated 2018-06-14.

Conditions:
Diabetic retinopathy. Identifiers: MedGen C0011884, MONDO:0005266.

Allele frequency attached by ClinVar (database versions not stated): gnomAD 0.00876 and 0.00944; ESP Exome Variant Server 0.00961; 1000 Genomes Project 30x 0.00984; gnomAD exomes 0.00089 and 0.00220; 1000 Genomes Project 0.01018; TOPMed 0.01016; ExAC 0.00250.
gnomAD v4.1: 2,653 of 1,598,726 alleles (0.17%); highest among the groups gnomAD compares: African/African-American, 3.2%; 44 homozygotes.

Submissions (4):

GeneDx
Classification: Likely benign. Last evaluated: 2018-06-14. Review status: criteria provided, single submitter. Criteria: GeneDx Variant Classification (06012015). Collection method: clinical testing. Allele origin: germline. Affected: yes.
Comment: This variant is considered likely benign or benign based on one or more of the following criteria: it is a conservative change, it occurs at a poorly conserved position in the protein, it is predicted to be benign by multiple in silico algorithms, and/or has population frequency not consistent with disease.

Breakthrough Genomics
Classification: Likely benign. Review status: criteria provided, single submitter. Criteria: ACMG Guidelines, 2015. Collection method: not provided. Allele origin: germline. Inheritance: Autosomal dominant inheritance. Affected: yes.

Clinical Genomics, Uppaluri K&H Personalized Medicine Clinic
Classification: Likely benign for Diabetic retinopathy. Review status: criteria provided, single submitter. Criteria: K And H Uppaluri Personalized Medicine Clinic Variant Classification And Assertion Criteria Updated V 2. Collection method: research. Allele origin: unknown.
Comment: Potent mutations in TGFBR2 gene encodes the transforming growth factor that have been associated with angiogenesis and diabetic retinopathy. More clinical studies are needed for stronger association. However, more evidence is required to confer the association of this particular variant rs11466495 with diabetic retinopathy.

PreventionGenetics, part of Exact Sciences
Classification: Benign. Review status: criteria provided, single submitter. Criteria: ACMG Guidelines, 2015. Collection method: clinical testing. Allele origin: germline.

Literature cited by the submitters: PubMed 30222965 (cited by Clinical Genomics, Uppaluri K&H Personalized Medicine Clinic); PubMed 28162229 (cited by Clinical Genomics, Uppaluri K&H Personalized Medicine Clinic); PubMed 34572573 (cited by Clinical Genomics, Uppaluri K&H Personalized Medicine Clinic).

NM_003242.6(TGFBR2):c.264-35T>G

Gene: TGFBR2 (transforming growth factor beta receptor 2; plus strand). Cytogenetic location: 3p24.1.
Variant type: single nucleotide variant.
Coding change: c.264-35T>G on transcript NM_003242.6 (MANE Select); 35 bases into the intron before coding-DNA position 264, T replaced by G.
Molecular consequence: intron variant.
Genome position (GRCh38, 1-based): chr3:30,650,235, T>G. VCF-style: chr3-30650235-T-G. GRCh37 (hg19) VCF-style: chr3-30691727-T-G.
Other names: c.159-35T>G (NM_001407129.1, NM_001407132.1, NM_001407136.1 and 3 more transcripts); c.339-35T>G (NM_001407126.1, NM_001024847.3, NM_001407139.1); c.170-21403T>G (NM_001407137.1); c.264-35T>G (NM_001407127.1, NM_001407130.1); c.95-21403T>G (NM_001407138.1); c.291-35T>G (NM_001407128.1).
Identifiers: ClinVar variation 259012 (VCV000259012.5), dbSNP rs11466495, ClinGen allele CA047805.